The following is an entry in ClinVar:

NM_000199.5(SGSH):c.89-2A>G

Gene: SGSH (N-sulfoglucosamine sulfohydrolase; minus strand). Cytogenetic location: 17q25.3.
Variant type: single nucleotide variant.
Coding change: c.89-2A>G on transcript NM_000199.5 (MANE Select); the canonical splice acceptor site of the intron before coding-DNA position 89, A replaced by G.
Molecular consequence: splice acceptor variant.
Genome position (GRCh38, 1-based): chr17:80,217,194, T>C on the plus strand (A>G on the coding strand, the complement: SGSH is on the minus strand). VCF-style: chr17-80217194-T-C. GRCh37 (hg19) VCF-style: chr17-78190993-T-C.
Other names: c.89-2A>G (NM_001352921.3, NM_001352922.2).
Identifiers: ClinVar variation 634541 (VCV000634541.13), dbSNP rs1369704445, ClinGen allele CA401364807.

ClinVar aggregate classification (germline): Pathogenic/Likely pathogenic. Review status: criteria provided, multiple submitters, no conflicts (2 of 4 stars). 3 submissions from 3 submitters: Pathogenic (1); Likely pathogenic (2). Last evaluated 2024-05-08.

Conditions:
Mucopolysaccharidosis, MPS-III-A (MPS3A). Also called: Mucopolysaccharidosis, type IIIA; MPS IIIA (Sanfilippo Syndrome Type A); MPS III A; SANFILIPPO SYNDROME A; SULFAMIDASE DEFICIENCY; Mucopolysaccharidosis type IIIA (Sanfilippo A). Identifiers: Orphanet 581, Orphanet 79269, MedGen C0086647, MONDO:0009655, OMIM 252900.

Allele frequency attached by ClinVar (database versions not stated): gnomAD exomes below 0.00001.

Submissions (3):

Fulgent Genetics
Classification: Likely pathogenic for Mucopolysaccharidosis, MPS-III-A. Last evaluated: 2024-05-08. Review status: criteria provided, single submitter. Criteria: ACMG Guidelines, 2015. Collection method: clinical testing. Allele origin: germline.

Labcorp Genetics (formerly Invitae), Labcorp
Classification: Likely pathogenic for Mucopolysaccharidosis, MPS-III-A. Last evaluated: 2023-11-10. Review status: criteria provided, single submitter. Criteria: Invitae Variant Classification Sherloc (09022015). Collection method: clinical testing. Allele origin: germline.
Comment: This sequence change affects an acceptor splice site in intron 1 of the SGSH gene. It is expected to disrupt RNA splicing. Variants that disrupt the donor or acceptor splice site typically lead to a loss of protein function (PMID: 16199547), and loss-of-function variants in SGSH are known to be pathogenic (PMID: 11182930, 21204211, 22976768). This variant is not present in population databases (gnomAD no frequency). This variant has not been reported in the literature in individuals affected with SGSH-related conditions. ClinVar contains an entry for this variant (Variation ID: 634541). Algorithms developed to predict the effect of sequence changes on RNA splicing suggest that this variant may disrupt the consensus splice site. In summary, the currently available evidence indicates that the variant is pathogenic, but additional data are needed to prove that conclusively. Therefore, this variant has been classified as Likely Pathogenic.

Genomic Research Center, Shahid Beheshti University of Medical Sciences
Classification: Pathogenic for Mucopolysaccharidosis, MPS-III-A. Last evaluated: 2019-01-01. Review status: criteria provided, single submitter. Criteria: ACMG Guidelines, 2015. Collection method: clinical testing. Allele origin: inherited. Affected: yes. Observed: 1 variant allele.

Literature cited by the submitters: PubMed 16199547 (cited by Labcorp Genetics (formerly Invitae), Labcorp); PubMed 11182930 (cited by Labcorp Genetics (formerly Invitae), Labcorp); PubMed 21204211 (cited by Labcorp Genetics (formerly Invitae), Labcorp); PubMed 22976768 (cited by Labcorp Genetics (formerly Invitae), Labcorp).